The following is an entry in ClinVar:

NM_031942.5(CDCA7):c.21+3G>A

Gene: CDCA7 (cell division cycle associated 7; plus strand). Cytogenetic location: 2q31.1.
Variant type: single nucleotide variant.
Coding change: c.21+3G>A on transcript NM_031942.5 (MANE Select); 3 bases into the intron after coding-DNA position 21, G replaced by A.
Molecular consequence: intron variant.
Genome position (GRCh38, 1-based): chr2:173,354,987, G>A. VCF-style: chr2-173354987-G-A. GRCh37 (hg19) VCF-style: chr2-174219715-G-A.
Other names: c.21+3G>A (NM_145810.3).
Identifiers: ClinVar variation 1924787 (VCV001924787.5), dbSNP rs541138621, ClinGen allele CA60772499.
Genomic context (GRCh38, chr2:173,354,987, plus strand): 5'-CCCGCTCCAAGCGCCGATCTGGGCACCCGCCACCAGCATGGACGCTCGCCGCGTGCCGGT[G>A]AGGGCTGGGCGGGCGAACCCGAGGGGCGGGCGCGGTGGGTGCTGGACGCAGGCGGGCGCG-3'

ClinVar aggregate classification (germline): Uncertain significance (1 of 4 stars; one submission).

Allele frequency attached by ClinVar (database versions not stated): gnomAD 0.00003; TOPMed 0.00004; 1000 Genomes Project 0.00020; 1000 Genomes Project 30x 0.00031.
gnomAD v4.1: 10 of 1,427,412 alleles (0.0007%); highest among the groups gnomAD compares: African/African-American, 0.012%; no homozygotes.

Submission:

Labcorp Genetics (formerly Invitae), Labcorp
Classification: Uncertain significance. Last evaluated: 2024-12-09. Review status: criteria provided, single submitter. Criteria: Invitae Variant Classification Sherloc (09022015). Collection method: clinical testing. Allele origin: germline.
Comment: This sequence change falls in intron 1 of the CDCA7 gene. It does not directly change the encoded amino acid sequence of the CDCA7 protein. It affects a nucleotide within the consensus splice site. This variant is not present in population databases (gnomAD no frequency). This variant has not been reported in the literature in individuals affected with CDCA7-related conditions. ClinVar contains an entry for this variant (Variation ID: 1924787). Variants that disrupt the consensus splice site are a relatively common cause of aberrant splicing (PMID: 17576681, 9536098). Algorithms developed to predict the effect of sequence changes on RNA splicing suggest that this variant is not likely to affect RNA splicing. In summary, the available evidence is currently insufficient to determine the role of this variant in disease. Therefore, it has been classified as a Variant of Uncertain Significance.

Literature cited by the submitters: PubMed 17576681; PubMed 9536098.